The following is an entry in ClinVar:

ClinVar aggregate classification (germline): Likely pathogenic (1 of 4 stars; one submission).

Conditions:
Hyperornithinemia-hyperammonemia-homocitrullinuria syndrome (HHHS). Also called: HHH SYNDROME; Ornithine translocase deficiency. Identifiers: Orphanet 415, MedGen C0268540, MONDO:0009393, OMIM 238970.

Submission:

Labcorp Genetics (formerly Invitae), Labcorp
Classification: Likely pathogenic for Hyperornithinemia-hyperammonemia-homocitrullinuria syndrome. Last evaluated: 2023-08-16. Review status: criteria provided, single submitter. Criteria: Invitae Variant Classification Sherloc (09022015). Collection method: clinical testing. Allele origin: germline.
Comment: In summary, the currently available evidence indicates that the variant is pathogenic, but additional data are needed to prove that conclusively. Therefore, this variant has been classified as Likely Pathogenic. Algorithms developed to predict the effect of sequence changes on RNA splicing suggest that this variant may disrupt the consensus splice site. This variant has not been reported in the literature in individuals affected with SLC25A15-related conditions. This variant is not present in population databases (gnomAD no frequency). This sequence change affects an acceptor splice site in intron 4 of the SLC25A15 gene. It is expected to disrupt RNA splicing. Variants that disrupt the donor or acceptor splice site typically lead to a loss of protein function (PMID: 16199547), and loss-of-function variants in SLC25A15 are known to be pathogenic (PMID: 11552031, 19242930).

Literature cited by the submitters: PubMed 16199547; PubMed 11552031; PubMed 19242930.

NM_014252.4(SLC25A15):c.453-2A>C

Gene: SLC25A15 (solute carrier family 25 member 15; plus strand). Cytogenetic location: 13q14.11.
Variant type: single nucleotide variant.
Coding change: c.453-2A>C on transcript NM_014252.4 (MANE Select); the canonical splice acceptor site of the intron before coding-DNA position 453, A replaced by C.
Molecular consequence: splice acceptor variant.
Genome position (GRCh38, 1-based): chr13:40,807,292, A>C. VCF-style: chr13-40807292-A-C. GRCh37 (hg19) VCF-style: chr13-41381428-A-C.
Identifiers: ClinVar variation 2914127 (VCV002914127.3), dbSNP rs2546921923, ClinGen allele CA387917997.